The following is an entry in ClinVar:

ClinVar aggregate classification (germline): Benign (1 of 4 stars; one submission).

Conditions:
Cataract 12 multiple types. Identifiers: Orphanet 91492, MedGen C3808115, MONDO:0012701, OMIM 611597.

Allele frequency attached by ClinVar (database versions not stated): gnomAD 0.00005 and 0.00006; TOPMed 0.00006; ExAC 0.00007; gnomAD exomes 0.00008; ESP Exome Variant Server 0.00015; 1000 Genomes Project 30x 0.00031; 1000 Genomes Project 0.00040.
gnomAD v4.1: 68 of 1,613,782 alleles (0.0042%); highest among the groups gnomAD compares: Middle Eastern, 0.033%; no homozygotes.

Submission:

Illumina Laboratory Services, Illumina
Classification: Benign for Cataract 12 multiple types. Last evaluated: 2018-01-13. Review status: criteria provided, single submitter. Criteria: ICSL Variant Classification Criteria 13 December 2019. Collection method: clinical testing. Allele origin: germline.
Comment: This variant was observed in the ICSL laboratory as part of a predisposition screen in an ostensibly healthy population. It had not been previously curated by ICSL or reported in the Human Gene Mutation Database (HGMD: prior to June 1st, 2018), and was therefore a candidate for classification through an automated scoring system. Utilizing variant allele frequency, disease prevalence and penetrance estimates, and inheritance mode, an automated score was calculated to assess if this variant is too frequent to cause the disease. Based on the score and internal cut-off values, a variant classified as benign is not then subjected to further curation. The score for this variant resulted in a classification of benign for this disease.

NM_003571.4(BFSP2):c.436C>T (p.Arg146Cys)

Gene: BFSP2 (beaded filament structural protein 2; plus strand). Cytogenetic location: 3q22.1.
Variant type: single nucleotide variant.
Coding change: c.436C>T on transcript NM_003571.4 (MANE Select); coding-DNA position 436, C replaced by T.
Protein change: p.Arg146Cys; replaces arginine 146 with cysteine.
Molecular consequence: missense variant.
Genome position (GRCh38, 1-based): chr3:133,400,519, C>T. VCF-style: chr3-133400519-C-T. GRCh37 (hg19) VCF-style: chr3-133119363-C-T.
Other names: short protein forms R146C.
Identifiers: ClinVar variation 902119 (VCV000902119.4), dbSNP rs144399466, ClinGen allele CA2623248.
Genomic context (GRCh38, chr3:133,400,519, plus strand): 5'-GAGCAAGTCAGTCAGGAGCTGGAAACACAACTGCGGATGCACCTGGAGAGCAAAGCCACA[C>T]GCTCGGGAAACTGGGGTGCCCTACGGGCTTCCTGGGCCAGCAGCTGCCAGCAGGTAAGTG-3'
Protein context (NP_003562.1, residues 136-156): LRMHLESKAT[Arg146Cys]SGNWGALRAS